The following is an entry in ClinVar:

NM_005739.4(RASGRP1):c.756C>T (p.Asn252=)

Gene: RASGRP1 (RAS guanyl releasing protein 1; minus strand). Cytogenetic location: 15q14.
Variant type: single nucleotide variant.
Coding change: c.756C>T on transcript NM_005739.4 (MANE Select); coding-DNA position 756, C replaced by T.
Protein change: p.Asn252=; no amino-acid change (asparagine 252 retained).
Molecular consequence: synonymous variant.
Genome position (GRCh38, 1-based): chr15:38,512,876, G>A on the plus strand (C>T on the coding strand, the complement: RASGRP1 is on the minus strand). VCF-style: chr15-38512876-G-A. GRCh37 (hg19) VCF-style: chr15-38805077-G-A.
Other names: c.756C>T (NM_005739.3); c.756C>T, p.Asn252= (NM_001128602.2, NM_001306086.2).
Identifiers: ClinVar variation 1667240 (VCV001667240.10), dbSNP rs36111378, ClinGen allele CA7471048.

ClinVar aggregate classification (germline): Likely benign. Review status: criteria provided, single submitter (1 of 4 stars). 2 submissions from 2 submitters: Likely benign (1). 1 of the submissions does not count toward it. Last evaluated 2025-09-03.

Conditions:
RASGRP1-related disorder. Also called: RASGRP1-related condition.

Allele frequency attached by ClinVar (database versions not stated): ExAC 0.00005; gnomAD 0.00005 and 0.00006; gnomAD exomes 0.00005; TOPMed 0.00005; 1000 Genomes Project 30x 0.00016; 1000 Genomes Project 0.00020.
gnomAD v4.1: 112 of 1,613,038 alleles (0.0069%); highest among the groups gnomAD compares: South Asian, 0.011%; no homozygotes.

Submissions (2):

Labcorp Genetics (formerly Invitae), Labcorp
Classification: Likely benign. Last evaluated: 2025-09-03. Review status: criteria provided, single submitter. Criteria: Invitae Variant Classification Sherloc (09022015). Collection method: clinical testing. Allele origin: germline.

PreventionGenetics, part of Exact Sciences
Classification: Likely benign for RASGRP1-related condition. Last evaluated: 2019-05-02. Review status: no assertion criteria provided. Collection method: clinical testing. Allele origin: germline. Not counted in ClinVar's aggregate classification.
Comment: This variant is classified as likely benign based on ACMG/AMP sequence variant interpretation guidelines (Richards et al. 2015 PMID: 25741868, with internal and published modifications).